The following is an entry in ClinVar:

ClinVar aggregate classification (germline): Uncertain significance. Review status: criteria provided, multiple submitters, no conflicts (2 of 4 stars). 6 submissions from 6 submitters: Uncertain significance (6). Last evaluated 2025-05-26.

Conditions:
Hereditary cancer-predisposing syndrome. Also called: Tumor predisposition; Hereditary Cancer Syndrome; Neoplastic Syndromes, Hereditary; Hereditary neoplastic syndrome. Identifiers: Orphanet 140162, MedGen C0027672, MeSH D009386, MONDO:0015356.
Familial cancer of breast. Also called: hereditary breast carcinoma; Hereditary breast cancer; BREAST CANCER, FAMILIAL. Identifiers: Orphanet 227535, MedGen C0346153, MONDO:0016419, OMIM 114480. Disease mechanism: loss of function.

Allele frequency attached by ClinVar (database versions not stated): gnomAD exomes below 0.00001 and 0.00001.
gnomAD v4.1: 3 of 1,585,864 alleles (0.00019%); highest among the groups gnomAD compares: Middle Eastern, 0.034%; no homozygotes.

Submissions (6):

Labcorp Genetics (formerly Invitae), Labcorp
Classification: Uncertain significance for Familial cancer of breast. Last evaluated: 2025-05-26. Review status: criteria provided, single submitter. Criteria: Invitae Variant Classification Sherloc (09022015). Collection method: clinical testing. Allele origin: germline.
Comment: This sequence change replaces aspartic acid, which is acidic and polar, with asparagine, which is neutral and polar, at codon 259 of the BARD1 protein (p.Asp259Asn). This variant is present in population databases (no rsID available, gnomAD 0.001%). This variant has not been reported in the literature in individuals affected with BARD1-related conditions. ClinVar contains an entry for this variant (Variation ID: 481384). An algorithm developed to predict the effect of missense changes on protein structure and function (PolyPhen-2) suggests that this variant is likely to be tolerated. In summary, the available evidence is currently insufficient to determine the role of this variant in disease. Therefore, it has been classified as a Variant of Uncertain Significance.

Ambry Genetics
Classification: Uncertain significance for Hereditary cancer-predisposing syndrome. Last evaluated: 2025-01-13. Review status: criteria provided, single submitter. Criteria: Ambry Variant Classification Scheme 2023. Collection method: clinical testing. Allele origin: germline.
Comment: The p.D259N variant (also known as c.775G>A), located in coding exon 4 of the BARD1 gene, results from a G to A substitution at nucleotide position 775. The aspartic acid at codon 259 is replaced by asparagine, an amino acid with highly similar properties. This amino acid position is well conserved in available vertebrate species. In addition, this alteration is predicted to be tolerated by in silico analysis. Since supporting evidence is limited at this time, the clinical significance of this alteration remains unclear.

Institute for Biomarker Research, Medical Diagnostic Laboratories, L.L.C.
Classification: Uncertain significance for Hereditary cancer-predisposing syndrome. Last evaluated: 2024-06-04. Review status: criteria provided, single submitter. Criteria: ACMG Guidelines, 2015. Collection method: clinical testing. Allele origin: germline.

GeneDx
Classification: Uncertain significance. Last evaluated: 2024-01-26. Review status: criteria provided, single submitter. Criteria: GeneDx Variant Classification Process June 2021. Collection method: clinical testing. Allele origin: germline. Affected: yes.
Comment: Not observed at significant frequency in large population cohorts (gnomAD); In silico analysis supports that this missense variant does not alter protein structure/function; Observed in an individual with personal or family history of breast and/or ovarian cancer (PMID: 28828701); This variant is associated with the following publications: (PMID: 28828701)

Blueprint Genetics
Classification: Uncertain significance. Last evaluated: 2023-09-27. Review status: criteria provided, single submitter. Criteria: ACMG Guidelines, 2015. Collection method: clinical testing. Allele origin: germline.

Color Diagnostics, LLC DBA Color Health
Classification: Uncertain significance for Hereditary cancer-predisposing syndrome. Last evaluated: 2021-01-05. Review status: criteria provided, single submitter. Criteria: ACMG Guidelines, 2015. Collection method: clinical testing. Allele origin: germline.
Comment: This missense variant replaces aspartic acid with asparagine at codon 259 of the BARD1 protein. Computational prediction suggests that this variant may not impact protein structure and function (internally defined REVEL score threshold <= 0.5, PMID: 27666373). To our knowledge, functional studies have not been reported for this variant. This variant has not been reported in individuals affected with hereditary cancer in the literature. This variant has been identified in 1/225754 chromosomes in the general population by the Genome Aggregation Database (gnomAD). The available evidence is insufficient to determine the role of this variant in disease conclusively. Therefore, this variant is classified as a Variant of Uncertain Significance.

Literature cited by the submitters: PubMed 28828701 (cited by Ambry Genetics).

NM_000465.4(BARD1):c.775G>A (p.Asp259Asn)

Gene: BARD1 (BRCA1 associated RING domain 1; minus strand). Cytogenetic location: 2q35.
Variant type: single nucleotide variant.
Coding change: c.775G>A on transcript NM_000465.4 (MANE Select); coding-DNA position 775, G replaced by A.
Protein change: p.Asp259Asn; replaces aspartic acid 259 with asparagine.
Molecular consequence: missense variant. On other transcripts: non-coding transcript variant (2), intron variant (3).
Genome position (GRCh38, 1-based): chr2:214,781,099, C>T on the plus strand (G>A on the coding strand, the complement: BARD1 is on the minus strand). VCF-style: chr2-214781099-C-T. GRCh37 (hg19) VCF-style: chr2-215645823-C-T.
Other names: c.718G>A, p.Asp240Asn (NM_001282543.2); c.158+28313G>A (NM_001282548.2); c.215+15962G>A (NM_001282545.2); c.364+11198G>A (NM_001282549.2); short protein forms D259N, D240N.
Identifiers: ClinVar variation 481384 (VCV000481384.24), dbSNP rs1195999928, ClinGen allele CA350455880.